The following is an entry in ClinVar:

NM_018136.5(ASPM):c.4716G>A (p.Met1572Ile)

Gene: ASPM (assembly factor for spindle microtubules; minus strand). Cytogenetic location: 1q31.3.
Variant type: single nucleotide variant.
Coding change: c.4716G>A on transcript NM_018136.5 (MANE Select); coding-DNA position 4716, G replaced by A.
Protein change: p.Met1572Ile; replaces methionine 1572 with isoleucine.
Molecular consequence: missense variant. On other transcripts: intron variant (1).
Genome position (GRCh38, 1-based): chr1:197,104,535, C>T on the plus strand (G>A on the coding strand, the complement: ASPM is on the minus strand). VCF-style: chr1-197104535-C-T. GRCh37 (hg19) VCF-style: chr1-197073665-C-T.
Other names: c.4066-8371G>A (NM_001206846.2); short protein forms M1572I.
Identifiers: ClinVar variation 5019015 (VCV005019015.2).
Genomic context (GRCh38, chr1:197,104,535, plus strand): 5'-ATGTGCCTGAAATTTGATAATAGTCTTCTTAAGGTTTAAAAATCGAACTCTGTCTTGTCT[C>T]ATTCTCCAGTATGACTGAATAACACAAGCAGCTCTAATTTGTCTACATAAATTATGAGCT-3'
Protein context (NP_060606.3, residues 1562-1582): AACVIQSYWR[Met1572Ile]RQDRVRFLNL

ClinVar aggregate classification (germline): Uncertain significance (1 of 4 stars; one submission).

Conditions:
Microcephaly 5, primary, autosomal recessive (MCPH5). Also called: ASPM Primary Microcephaly. Identifiers: Orphanet 2512, MedGen C1837501, MONDO:0012106, OMIM 608716.

Submission:

Juno Genomics, Hangzhou Juno Genomics, Inc
Classification: Uncertain significance for Microcephaly 5, primary, autosomal recessive. Review status: criteria provided, single submitter. Criteria: ACMG Guidelines, 2015. Collection method: clinical testing. Allele origin: germline.
Comment: Absent from controls (or at extremely low frequency if recessive) in Genome Aggregation Database.